The following is an entry in ClinVar:

NM_002474.3(MYH11):c.1316G>A (p.Arg439His)

Gene: MYH11 (myosin heavy chain 11; minus strand). Cytogenetic location: 16p13.11.
Variant type: single nucleotide variant.
Coding change: c.1316G>A on transcript NM_002474.3 (MANE Select); coding-DNA position 1316, G replaced by A.
Protein change: p.Arg439His; replaces arginine 439 with histidine.
Molecular consequence: missense variant.
Genome position (GRCh38, 1-based): chr16:15,759,661, C>T on the plus strand (G>A on the coding strand, the complement: MYH11 is on the minus strand). VCF-style: chr16-15759661-C-T. GRCh37 (hg19) VCF-style: chr16-15853518-C-T.
Other names: c.1316G>A (NM_002474.2); c.1337G>A, p.Arg446His (NM_001040113.2, NM_001040114.2); c.1316G>A, p.Arg439His (NM_022844.3); short protein forms R446H, R439H.
Identifiers: ClinVar variation 922869 (VCV000922869.10), dbSNP rs372247345, ClinGen allele CA7922640.

ClinVar aggregate classification (germline): Conflicting classifications of pathogenicity. Review status: criteria provided, conflicting classifications (1 of 4 stars). 4 submissions from 4 submitters: Uncertain significance (3); Likely benign (1). Last evaluated 2026-04-03.

Conditions:
Familial thoracic aortic aneurysm and aortic dissection (TAAD). Also called: Thoracic aortic aneurysms and dissections. Identifiers: Orphanet 91387, MedGen C4707243, MONDO:0019625.
Aortic aneurysm, familial thoracic 4 (AAT4). Also called: AORTIC ANEURYSM/AORTIC DISSECTION AND PATENT DUCTUS ARTERIOSUS. Identifiers: MedGen C1851504, MONDO:0007568, OMIM 132900.

Allele frequency attached by ClinVar (database versions not stated): TOPMed 0.00001; gnomAD 0.00001 and 0.00002; gnomAD exomes 0.00004 and 0.00003; ExAC 0.00007; ESP Exome Variant Server 0.00008.
gnomAD v4.1: 41 of 1,614,068 alleles (0.0025%); highest among the groups gnomAD compares: South Asian, 0.033%; 1 homozygote.

Submissions (4):

Ambry Genetics
Classification: Uncertain significance for Familial thoracic aortic aneurysm and aortic dissection. Last evaluated: 2026-04-03. Review status: criteria provided, single submitter. Criteria: Ambry Variant Classification Scheme 2023. Collection method: clinical testing. Allele origin: germline.
Comment: The p.R439H variant (also known as c.1316G>A), located in coding exon 11 of the MYH11 gene, results from a G to A substitution at nucleotide position 1316. The arginine at codon 439 is replaced by histidine, an amino acid with highly similar properties. This alteration has been reported, under an alternate isoform as p.R446H, in a subject with aortic dissection (Zheng J et al. Int J Legal Med, 2018 Sep;132:1273-1280). This amino acid position is highly conserved in available vertebrate species. In addition, this alteration is predicted to be deleterious by in silico analysis. Based on the available evidence, the clinical significance of this alteration remains unclear.

Labcorp Genetics (formerly Invitae), Labcorp
Classification: Likely benign for Aortic aneurysm, familial thoracic 4. Last evaluated: 2025-08-11. Review status: criteria provided, single submitter. Criteria: Invitae Variant Classification Sherloc (09022015). Collection method: clinical testing. Allele origin: germline.

All of Us Research Program, National Institutes of Health
Classification: Uncertain significance for Familial thoracic aortic aneurysm and aortic dissection. Last evaluated: 2024-08-06. Review status: criteria provided, single submitter. Criteria: ACMG Guidelines, 2015. Collection method: clinical testing. Allele origin: germline. Inheritance: Autosomal dominant inheritance. Observed: 1 variant allele, 1 heterozygote.
Comment: This missense variant replaces arginine with histidine at codon 446 of the MYH11 protein. Computational prediction tool suggests that this variant may have deleterious impact on protein structure and function (internally defined REVEL score threshold >=0.7, PMID: 27666373). Splice site prediction tools suggest that this variant may not impact RNA splicing. To our knowledge, functional studies have not been performed for this variant. This variant has not been reported in individuals affected with cardiovascular disorders in the literature. This variant has been identified in 10/282862 chromosomes in the general population by the Genome Aggregation Database (gnomAD). The available evidence is insufficient to determine the role of this variant in disease conclusively. Therefore, this variant is classified as a Variant of Uncertain Significance.

This study involves interpretation of variants in research participants for the purpose of population health screening. Participant phenotype was not available at the time of variant classification. Additional details can be found in publication PMID: 35346344, PMCID: PMC8962531

Color Diagnostics, LLC DBA Color Health
Classification: Uncertain significance for Familial thoracic aortic aneurysm and aortic dissection. Last evaluated: 2024-03-06. Review status: criteria provided, single submitter. Criteria: ACMG Guidelines, 2015. Collection method: clinical testing. Allele origin: germline.
Comment: This missense variant replaces arginine with histidine at codon 446 of the MYH11 protein. Computational prediction suggests that this variant may have a deleterious impact on protein structure and function (internally defined REVEL score threshold >= 0.7, PMID: 27666373). To our knowledge, functional studies have not been reported for this variant. This variant has not been reported in individuals affected with MYH11-related disorders in the literature. This variant has been identified in 10/282862 chromosomes in the general population by the Genome Aggregation Database (gnomAD). The available evidence is insufficient to determine the role of this variant in disease conclusively. Therefore, this variant is classified as a Variant of Uncertain Significance.

Literature cited by the submitters: PubMed 30056620 (cited by Ambry Genetics).